The following is an entry in ClinVar:

ClinVar aggregate classification (germline): Uncertain significance. Review status: criteria provided, multiple submitters, no conflicts (2 of 4 stars). 2 submissions from 2 submitters: Uncertain significance (2). Last evaluated 2022-08-02.

Conditions:
Succinate-semialdehyde dehydrogenase deficiency (SSADHD). Also called: Succinic Semialdehyde Dehydrogenase Deficiency; SSADH DEFICIENCY; 4-HYDROXYBUTYRIC ACIDURIA; GABA METABOLIC DEFECT. Identifiers: Orphanet 22, MedGen C0268631, MONDO:0010083, OMIM 271980.

Allele frequency attached by ClinVar (database versions not stated): gnomAD exomes 0.00001 and 0.00003; ExAC 0.00002; gnomAD 0.00010 and 0.00015; ESP Exome Variant Server 0.00015; TOPMed 0.00023.
gnomAD v4.1: 38 of 1,604,464 alleles (0.0024%); highest among the groups gnomAD compares: African/African-American, 0.047%; no homozygotes.

Submissions (2):

Labcorp Genetics (formerly Invitae), Labcorp
Classification: Uncertain significance for Succinate-semialdehyde dehydrogenase deficiency. Last evaluated: 2022-08-02. Review status: criteria provided, single submitter. Criteria: Invitae Variant Classification Sherloc (09022015). Collection method: clinical testing. Allele origin: germline.
Comment: This sequence change replaces serine, which is neutral and polar, with arginine, which is basic and polar, at codon 245 of the ALDH5A1 protein (p.Ser245Arg). This variant is present in population databases (rs141430899, gnomAD 0.05%). This variant has not been reported in the literature in individuals affected with ALDH5A1-related conditions. ClinVar contains an entry for this variant (Variation ID: 859859). Advanced modeling of protein sequence and biophysical properties (such as structural, functional, and spatial information, amino acid conservation, physicochemical variation, residue mobility, and thermodynamic stability) performed at Invitae indicates that this missense variant is not expected to disrupt ALDH5A1 protein function. In summary, the available evidence is currently insufficient to determine the role of this variant in disease. Therefore, it has been classified as a Variant of Uncertain Significance.

GeneDx
Classification: Uncertain significance. Last evaluated: 2019-08-08. Review status: criteria provided, single submitter. Criteria: GeneDx Variant Classification Process June 2021. Collection method: clinical testing. Allele origin: germline. Affected: yes.
Comment: In silico analysis, which includes protein predictors and evolutionary conservation, supports that this variant does not alter protein structure/function; Has not been previously published as pathogenic or benign to our knowledge

NM_001080.3(ALDH5A1):c.735C>G (p.Ser245Arg)

Gene: ALDH5A1 (aldehyde dehydrogenase 5 family member A1; plus strand). Cytogenetic location: 6p22.3.
Variant type: single nucleotide variant.
Coding change: c.735C>G on transcript NM_001080.3 (MANE Select); coding-DNA position 735, C replaced by G.
Protein change: p.Ser245Arg; replaces serine 245 with arginine.
Molecular consequence: missense variant. On other transcripts: intron variant (1).
Genome position (GRCh38, 1-based): chr6:24,515,175, C>G. VCF-style: chr6-24515175-C-G. GRCh37 (hg19) VCF-style: chr6-24515403-C-G.
Other names: c.774C>G, p.Ser258Arg (NM_170740.1); c.727-5226C>G (NM_001368954.1); short protein forms S245R, S258R.
Identifiers: ClinVar variation 859859 (VCV000859859.6), dbSNP rs141430899, ClinGen allele CA3656739.